The following is an entry in ClinVar:

ClinVar aggregate classification (germline): Pathogenic. Review status: criteria provided, multiple submitters, no conflicts (2 of 4 stars). 6 submissions from 6 submitters: Pathogenic (3). 3 of the submissions do not count toward it. Last evaluated 2025-09-12.

Conditions:
Intellectual developmental disorder with autism and macrocephaly. Also called: CHD8-Related Neurodevelopmental Disorder with Overgrowth; Autism, susceptibility to, 18. Identifiers: Orphanet 642675, MedGen C3554373, MONDO:0014017, OMIM 615032.

Submissions (6):

GeneDx
Classification: Pathogenic. Last evaluated: 2025-09-12. Review status: criteria provided, single submitter. Criteria: GeneDx Variant Classification Process June 2021. Collection method: clinical testing. Allele origin: germline. Affected: yes.
Comment: Nonsense variant predicted to result in protein truncation or nonsense mediated decay in a gene for which loss of function is a known mechanism of disease; Not observed at significant frequency in large population cohorts (gnomAD); This variant is associated with the following publications: (PMID: 34088660, 31980904, 40223535, 36182950)

Labcorp Genetics (formerly Invitae), Labcorp
Classification: Pathogenic. Last evaluated: 2024-05-21. Review status: criteria provided, single submitter. Criteria: Invitae Variant Classification Sherloc (09022015). Collection method: clinical testing. Allele origin: germline.
Comment: This sequence change creates a premature translational stop signal (p.Arg1188*) in the CHD8 gene. It is expected to result in an absent or disrupted protein product. Loss-of-function variants in CHD8 are known to be pathogenic (PMID: 24998929, 26789910). This variant is not present in population databases (gnomAD no frequency). This premature translational stop signal has been observed in individual(s) with CHD8-related conditions (PMID: 31980904). ClinVar contains an entry for this variant (Variation ID: 916093). For these reasons, this variant has been classified as Pathogenic.

Laboratory of Molecular Genetics (Pr. Bezieau's lab), CHU de Nantes
Classification: Pathogenic. Last evaluated: 2019-06-19. Review status: criteria provided, single submitter. Criteria: ACMG Guidelines, 2015. Collection method: clinical testing. Allele origin: germline. Affected: yes.

OMIM
Classification: Pathogenic for INTELLECTUAL DEVELOPMENTAL DISORDER WITH AUTISM AND MACROCEPHALY. Last evaluated: 2022-05-11. Review status: no assertion criteria provided. Collection method: literature only. Allele origin: germline. Not counted in ClinVar's aggregate classification.

Genome Diagnostics Laboratory, University Medical Center Utrecht
Classification: Pathogenic. Review status: no assertion criteria provided. Collection method: clinical testing. Allele origin: germline. Affected: yes. Study: VKGL Data-share Consensus. Not counted in ClinVar's aggregate classification.

Joint Genome Diagnostic Labs from Nijmegen and Maastricht, Radboudumc and MUMC+
Classification: Likely pathogenic. Review status: no assertion criteria provided. Collection method: clinical testing. Allele origin: germline. Affected: yes. Study: VKGL Data-share Consensus. Not counted in ClinVar's aggregate classification.

Literature cited by the submitters: PubMed 24998929 (cited by Labcorp Genetics (formerly Invitae), Labcorp); PubMed 26789910 (cited by Labcorp Genetics (formerly Invitae), Labcorp); PubMed 31980904 (cited by Labcorp Genetics (formerly Invitae), Labcorp and OMIM).

NM_001170629.2(CHD8):c.3562C>T (p.Arg1188Ter)

Gene: CHD8 (chromodomain helicase DNA binding protein 8; minus strand). Cytogenetic location: 14q11.2.
Variant type: single nucleotide variant.
Coding change: c.3562C>T on transcript NM_001170629.2 (MANE Select); coding-DNA position 3562, C replaced by T.
Protein change: p.Arg1188Ter; replaces arginine 1188 with a stop codon.
Molecular consequence: nonsense.
Genome position (GRCh38, 1-based): chr14:21,403,169, G>A on the plus strand (C>T on the coding strand, the complement: CHD8 is on the minus strand). VCF-style: chr14-21403169-G-A. GRCh37 (hg19) VCF-style: chr14-21871328-G-A.
Other names: c.2725C>T, p.Arg909Ter (NM_020920.4); short protein forms R1188*, R909*.
Identifiers: ClinVar variation 916093 (VCV000916093.9), dbSNP rs1555314911, ClinGen allele CA388900218.